The following is an entry in ClinVar:

ClinVar aggregate classification (germline): Likely benign. Review status: criteria provided, multiple submitters, no conflicts (2 of 4 stars). 2 submissions from 2 submitters: Likely benign (2). Last evaluated 2026-01-01.

Conditions:
Cohen syndrome (COH1). Also called: PEPPER SYNDROME; Cutis verticis gyrata, retinitis pigmentosa, and sensorineural deafness. Identifiers: Orphanet 193, MedGen C0265223, MONDO:0008999, OMIM 216550.

Allele frequency attached by ClinVar (database versions not stated): gnomAD exomes below 0.00001; ExAC 0.00001.
gnomAD v4.1: 3 of 1,610,748 alleles (0.00019%); highest among the groups gnomAD compares: Middle Eastern, 0.017%; 1 homozygote.

Submissions (2):

CeGaT Center for Human Genetics Tuebingen
Classification: Likely benign. Last evaluated: 2026-01-01. Review status: criteria provided, single submitter. Criteria: CeGaT Center For Human Genetics Tuebingen Variant Classification Criteria Version 2. Collection method: clinical testing. Allele origin: germline. Affected: yes. Observed: 1 variant allele.
Comment: VPS13B: BP4, BP7

Labcorp Genetics (formerly Invitae), Labcorp
Classification: Likely benign for Cohen syndrome. Last evaluated: 2022-09-13. Review status: criteria provided, single submitter. Criteria: Invitae Variant Classification Sherloc (09022015). Collection method: clinical testing. Allele origin: germline.

NM_152564.5(VPS13B):c.3645G>A (p.Glu1215=)

Gene: VPS13B (vacuolar protein sorting 13 homolog B; plus strand). Cytogenetic location: 8q22.2.
Variant type: single nucleotide variant.
Coding change: c.3645G>A on transcript NM_152564.5 (MANE Select); coding-DNA position 3645, G replaced by A.
Protein change: p.Glu1215=; no amino-acid change (glutamic acid 1215 retained).
Molecular consequence: synonymous variant.
Genome position (GRCh38, 1-based): chr8:99,467,613, G>A. VCF-style: chr8-99467613-G-A. GRCh37 (hg19) VCF-style: chr8-100479841-G-A.
Other names: c.3645G>A, p.Glu1215= (NM_017890.5).
Identifiers: ClinVar variation 797156 (VCV000797156.14), dbSNP rs751086826, ClinGen allele CA4823290.